The following is an entry in ClinVar:

ClinVar aggregate classification (germline): Likely pathogenic. Review status: criteria provided, single submitter (1 of 4 stars). 2 submissions from 2 submitters: Likely pathogenic (1). 1 of the submissions does not count toward it. Last evaluated 2025-10-08.

Conditions:
Charcot-Marie-Tooth disease. Also called: Charcot-Marie-Tooth Hereditary Neuropathy; Charcot-Marie-Tooth Neuropathy. Identifiers: Orphanet 166, MedGen C0007959, MONDO:0015626.
Charcot-Marie-Tooth Neuropathy X. Identifiers: MedGen CN118851.

Submissions (2):

Labcorp Genetics (formerly Invitae), Labcorp
Classification: Likely pathogenic for Charcot-Marie-Tooth Neuropathy X. Last evaluated: 2025-10-08. Review status: criteria provided, single submitter. Criteria: Invitae Variant Classification Sherloc (09022015). Collection method: clinical testing. Allele origin: germline.
Comment: This sequence change replaces histidine, which is basic and polar, with proline, which is neutral and non-polar, at codon 16 of the GJB1 protein (p.His16Pro). This variant is not present in population databases (gnomAD no frequency). This missense change has been observed in individual(s) with clinical features of GJB1-related conditions (PMID: 9361298, 34255403). ClinVar contains an entry for this variant (Variation ID: 637130). Invitae Evidence Modeling of protein sequence and biophysical properties (such as structural, functional, and spatial information, amino acid conservation, physicochemical variation, residue mobility, and thermodynamic stability) indicates that this missense variant is expected to disrupt GJB1 protein function with a positive predictive value of 95%. This variant disrupts the p.His16 amino acid residue in GJB1. Other variant(s) that disrupt this residue have been observed in individuals with GJB1-related conditions (PMID: 19691535, 28448691), which suggests that this may be a clinically significant amino acid residue. In summary, the currently available evidence indicates that the variant is pathogenic, but additional data are needed to prove that conclusively. Therefore, this variant has been classified as Likely Pathogenic.

Inherited Neuropathy Consortium
Classification: Uncertain significance for Charcot-Marie-Tooth disease. Review status: no assertion criteria provided. Collection method: literature only. Allele origin: germline. Affected: yes. Not counted in ClinVar's aggregate classification.

Literature cited by the submitters: PubMed 9361298 (cited by Labcorp Genetics (formerly Invitae), Labcorp and Inherited Neuropathy Consortium); PubMed 34255403 (cited by Labcorp Genetics (formerly Invitae), Labcorp); PubMed 19691535 (cited by Labcorp Genetics (formerly Invitae), Labcorp); PubMed 28448691 (cited by Labcorp Genetics (formerly Invitae), Labcorp).

NM_000166.6(GJB1):c.47A>C (p.His16Pro)

Gene: GJB1 (gap junction protein beta 1; plus strand). Cytogenetic location: Xq13.1.
Variant type: single nucleotide variant.
Coding change: c.47A>C on transcript NM_000166.6 (MANE Select); coding-DNA position 47, A replaced by C.
Protein change: p.His16Pro; replaces histidine 16 with proline.
Molecular consequence: missense variant.
Genome position (GRCh38, 1-based): chrX:71,223,754, A>C. VCF-style: chrX-71223754-A-C. GRCh37 (hg19) VCF-style: chrX-70443604-A-C.
Other names: c.47A>C, p.His16Pro (NM_001097642.3); short protein forms H16P.
Identifiers: ClinVar variation 637130 (VCV000637130.2), dbSNP rs1602348610, ClinGen allele CA413499537.
Genomic context (GRCh38, chrX:71,223,754, plus strand): 5'-GTGAATGAGGCAGGATGAACTGGACAGGTTTGTACACCTTGCTCAGTGGCGTGAACCGGC[A>C]TTCTACTGCCATTGGCCGAGTATGGCTCTCGGTCATCTTCATCTTCAGAATCATGGTGCT-3'
Protein context (NP_000157.1, residues 6-26): LYTLLSGVNR[His16Pro]STAIGRVWLS